The following is an entry in ClinVar:

ClinVar aggregate classification (germline): Uncertain significance (1 of 4 stars; one submission).

Conditions:
Nephronophthisis 15 (NPHP15). Identifiers: Orphanet 3156, MedGen C3541853, MONDO:0013917, OMIM 614845.

Allele frequency attached by ClinVar (database versions not stated): gnomAD exomes 0.00001.
gnomAD v4.1: 3 of 1,612,710 alleles (0.00019%); highest among the groups gnomAD compares: South Asian, 0.0033%; no homozygotes.

Submission:

Labcorp Genetics (formerly Invitae), Labcorp
Classification: Uncertain significance for Nephronophthisis 15. Last evaluated: 2021-07-22. Review status: criteria provided, single submitter. Criteria: Invitae Variant Classification Sherloc (09022015). Collection method: clinical testing. Allele origin: germline.
Comment: In summary, the available evidence is currently insufficient to determine the role of this variant in disease. Therefore, it has been classified as a Variant of Uncertain Significance. Algorithms developed to predict the effect of missense changes on protein structure and function output the following: SIFT: "Tolerated"; PolyPhen-2: "Benign"; Align-GVGD: "Class C0". The threonine amino acid residue is found in multiple mammalian species, which suggests that this missense change does not adversely affect protein function. This variant has not been reported in the literature in individuals affected with CEP164-related conditions. This variant is not present in population databases (ExAC no frequency). This sequence change replaces alanine with threonine at codon 1020 of the CEP164 protein (p.Ala1020Thr). The alanine residue is moderately conserved and there is a small physicochemical difference between alanine and threonine.

NM_014956.5(CEP164):c.3058G>A (p.Ala1020Thr)

Gene: CEP164 (centrosomal protein 164; plus strand). Cytogenetic location: 11q23.3.
Variant type: single nucleotide variant.
Coding change: c.3058G>A on transcript NM_014956.5 (MANE Select); coding-DNA position 3058, G replaced by A.
Protein change: p.Ala1020Thr; replaces alanine 1020 with threonine.
Molecular consequence: missense variant.
Genome position (GRCh38, 1-based): chr11:117,395,691, G>A. VCF-style: chr11-117395691-G-A. GRCh37 (hg19) VCF-style: chr11-117266407-G-A.
Other names: c.3067G>A, p.Ala1023Thr (NM_001271933.2); short protein forms A1020T, A1023T.
Identifiers: ClinVar variation 1472020 (VCV001472020.6), dbSNP rs1316999665, ClinGen allele CA382732273.